The following is an entry in ClinVar:

NC_000011.9:g.(4107774_4112511)_(4114439_?)dup

Gene: STIM1 (stromal interaction molecule 1; plus strand). Cytogenetic location: 11p15.4.
Variant type: Duplication.
Identifiers: ClinVar variation 3768630 (VCV003768630.1).

ClinVar aggregate classification (germline): Uncertain significance (1 of 4 stars; one submission).

Submission:

Women's Health and Genetics/Laboratory Corporation of America, LabCorp
Classification: Uncertain significance. Last evaluated: 2025-02-26. Review status: criteria provided, single submitter. Criteria: LabCorp Variant Classification Summary - May 2015. Collection method: clinical testing. Allele origin: germline.
Comment: Variant summary: The variant involves the duplication of exon 12 in the STIM1 gene. A presumed nomenclature of c.(1541+1_1542-1)_(*1411_?)dup has been designated for the purposes of this classification. The exact breakpoint at the 3' end of this variant is unknown, therefore this duplication may extend downstream of the annotated region of the gene. As it duplicates the termination codon, its effect on the encoded protein is unknown. The variant was absent in 21694 control chromosomes. The available data on variant occurrences in the general population are insufficient to allow any conclusion about variant significance. To our knowledge, no occurrence of c.(1541+1_1542-1)_(*1411_?)dup in individuals affected with STIM1-Related Disorders and no experimental evidence demonstrating its impact on protein function have been reported. ClinVar contains entries for this variant (Variation ID: 2424637, 1054291). Based on the evidence outlined above, the variant was classified as uncertain significance.